The following is an entry in ClinVar:

NM_007194.4(CHEK2):c.1087_1088del (p.Leu363fs)

Gene: CHEK2 (checkpoint kinase 2; minus strand). Cytogenetic location: 22q12.1.
Variant type: Deletion.
Coding change: c.1087_1088del on transcript NM_007194.4 (MANE Select); coding-DNA positions 1087 to 1088, 2 bases deleted (CT; older notation c.1087_1088delCT).
Protein change: p.Leu363fs; shifts the reading frame from leucine 363.
Molecular consequence: frameshift variant. On other transcripts: intron variant (3).
Genome position (GRCh38, 1-based): chr22:28,696,908-28,696,909, AG deleted on the plus strand (CT on the coding strand, the reverse complement: CHEK2 is on the minus strand); deleting any 2 consecutive bases within chr22:28,696,908-28,696,910 gives the same sequence; the c. name uses the placement nearest the transcript's 3' end. VCF-style (leftmost placement, unchanged base first): chr22-28696907-AAG-A. GRCh37 (hg19) VCF-style: chr22-29092895-AAG-A.
Other names: c.1009-1036_1009-1035del (NM_145862.3); c.1102-1036_1102-1035del (NM_001438295.1); c.1138-1036_1138-1035del (NM_001438294.1); c.1216_1217del, p.Leu406fs (NM_001005735.3); c.424_425del, p.Leu142fs (NM_001257387.3, NM_001437942.1); c.886_887del, p.Leu296fs (NM_001349956.3); c.1180_1181del, p.Leu394fs (NM_001438293.1); short protein forms L142fs, L296fs, L406fs, L363fs, L394fs.
Identifiers: ClinVar variation 3832942 (VCV003832942.1).
Genomic context (GRCh38, chr22:28,696,907, plus strand): 5'-GTTTCTGAACAAGAATCTACAGGAATAGCCACATACAGAATGCCAATTTCTTACCTTTAT[AAG>A]ACAGTCCTCTTCTTGAGATGACAGTAAAACATTCTCTGGCTTTAAGTCACGGTGTATAAT-3'

ClinVar aggregate classification (germline): Pathogenic (1 of 4 stars; one submission).

Conditions:
Hereditary cancer-predisposing syndrome. Also called: Hereditary neoplastic syndrome; Neoplastic Syndromes, Hereditary; Tumor predisposition; Hereditary Cancer Syndrome. Identifiers: Orphanet 140162, MedGen C0027672, MeSH D009386, MONDO:0015356.

Submission:

Ambry Genetics
Classification: Pathogenic for Hereditary cancer-predisposing syndrome. Last evaluated: 2025-01-31. Review status: criteria provided, single submitter. Criteria: Ambry Variant Classification Scheme 2023. Collection method: clinical testing. Allele origin: germline.
Comment: The c.1087_1088delCT pathogenic mutation, located in coding exon 9 of the CHEK2 gene, results from a deletion of two nucleotides at nucleotide positions 1087 to 1088, causing a translational frameshift with a predicted alternate stop codon (p.L363Yfs*5). This variant is considered to be rare based on population cohorts in the Genome Aggregation Database (gnomAD). This alteration is expected to result in loss of function by premature protein truncation or nonsense-mediated mRNA decay. As such, this alteration is interpreted as a disease-causing mutation.